The following is an entry in ClinVar:

ClinVar aggregate classification (germline): Uncertain significance (1 of 4 stars; one submission).

Submission:

CeGaT Center for Human Genetics Tuebingen
Classification: Uncertain significance. Last evaluated: 2024-10-01. Review status: criteria provided, single submitter. Criteria: CeGaT Center For Human Genetics Tuebingen Variant Classification Criteria Version 2. Collection method: clinical testing. Allele origin: germline. Affected: yes. Observed: 1 variant allele.
Comment: ERCC2: PM2, PM3

NM_000400.4(ERCC2):c.2T>G (p.Met1Arg)

Gene: ERCC2 (ERCC excision repair 2, TFIIH core complex helicase subunit; minus strand). Cytogenetic location: 19q13.32.
Variant type: single nucleotide variant.
Coding change: c.2T>G on transcript NM_000400.4 (MANE Select); coding-DNA position 2, T replaced by G.
Protein change: p.Met1Arg; changes the start codon (methionine 1).
Molecular consequence: missense variant, initiator codon variant. On other transcripts: 5 prime UTR variant (1).
Genome position (GRCh38, 1-based): chr19:45,370,539, A>C on the plus strand (T>G on the coding strand, the complement: ERCC2 is on the minus strand). VCF-style: chr19-45370539-A-C. GRCh37 (hg19) VCF-style: chr19-45873797-A-C.
Other names: c.-374T>G (NM_001130867.2); short protein forms M1R.
Identifiers: ClinVar variation 3389398 (VCV003389398.14).